The following is an entry in ClinVar:

ClinVar aggregate classification (germline): Uncertain significance (1 of 4 stars; one submission).

gnomAD v4.1: 1 of 1,610,784 alleles (0.000062%); highest among the groups gnomAD compares: East Asian, 0.0022%; no homozygotes.

Submission:

Labcorp Genetics (formerly Invitae), Labcorp
Classification: Uncertain significance. Last evaluated: 2025-07-22. Review status: criteria provided, single submitter. Criteria: Invitae Variant Classification Sherloc (09022015). Collection method: clinical testing. Allele origin: germline.
Comment: This sequence change falls in intron 5 of the FH gene. It does not directly change the encoded amino acid sequence of the FH protein. It affects a nucleotide within the consensus splice site. This variant is present in population databases (no rsID available, gnomAD 0.06%). This variant has not been reported in the literature in individuals affected with FH-related conditions. Variants that disrupt the consensus splice site are a relatively common cause of aberrant splicing (PMID: 17576681, 9536098). Algorithms developed to predict the effect of sequence changes on RNA splicing suggest that this variant is not likely to affect RNA splicing. In summary, the available evidence is currently insufficient to determine the role of this variant in disease. Therefore, it has been classified as a Variant of Uncertain Significance.

Literature cited by the submitters: PubMed 17576681; PubMed 9536098.

NM_000143.4(FH):c.738+6G>A

Gene: FH (fumarate hydratase; minus strand). Cytogenetic location: 1q43.
Variant type: single nucleotide variant.
Coding change: c.738+6G>A on transcript NM_000143.4 (MANE Select); 6 bases into the intron after coding-DNA position 738, G replaced by A.
Molecular consequence: intron variant.
Genome position (GRCh38, 1-based): chr1:241,508,597, C>T on the plus strand (G>A on the coding strand, the complement: FH is on the minus strand). VCF-style: chr1-241508597-C-T. GRCh37 (hg19) VCF-style: chr1-241671897-C-T.
Identifiers: ClinVar variation 4796847 (VCV004796847.1).